The following is an entry in ClinVar:

ClinVar aggregate classification (germline): Uncertain significance (1 of 4 stars; one submission).

Allele frequency attached by ClinVar (database versions not stated): TOPMed 0.00002.

Submission:

Labcorp Genetics (formerly Invitae), Labcorp
Classification: Uncertain significance. Last evaluated: 2023-03-26. Review status: criteria provided, single submitter. Criteria: Invitae Variant Classification Sherloc (09022015). Collection method: clinical testing. Allele origin: germline.
Comment: ClinVar contains an entry for this variant (Variation ID: 1042307). In summary, the available evidence is currently insufficient to determine the role of this variant in disease. Therefore, it has been classified as a Variant of Uncertain Significance. Advanced modeling of protein sequence and biophysical properties (such as structural, functional, and spatial information, amino acid conservation, physicochemical variation, residue mobility, and thermodynamic stability) performed at Invitae indicates that this missense variant is not expected to disrupt COL9A2 protein function. This variant has not been reported in the literature in individuals affected with COL9A2-related conditions. This variant is not present in population databases (gnomAD no frequency). This sequence change replaces serine, which is neutral and polar, with proline, which is neutral and non-polar, at codon 459 of the COL9A2 protein (p.Ser459Pro).

NM_001852.4(COL9A2):c.1375T>C (p.Ser459Pro)

Gene: COL9A2 (collagen type IX alpha 2 chain; minus strand). Cytogenetic location: 1p34.2.
Variant type: single nucleotide variant.
Coding change: c.1375T>C on transcript NM_001852.4 (MANE Select); coding-DNA position 1375, T replaced by C.
Protein change: p.Ser459Pro; replaces serine 459 with proline.
Molecular consequence: missense variant.
Genome position (GRCh38, 1-based): chr1:40,303,833, A>G on the plus strand (T>C on the coding strand, the complement: COL9A2 is on the minus strand). VCF-style: chr1-40303833-A-G. GRCh37 (hg19) VCF-style: chr1-40769505-A-G.
Other names: short protein forms S459P.
Identifiers: ClinVar variation 1042307 (VCV001042307.7), dbSNP rs971839108, ClinGen allele CA21041296.